The following is an entry in ClinVar:

ClinVar aggregate classification (germline): Uncertain significance. Review status: criteria provided, multiple submitters, no conflicts (2 of 4 stars). 8 submissions from 8 submitters: Uncertain significance (7). 1 of the submissions does not count toward it. Last evaluated 2026-09-02.

Conditions:
Glycogen storage disease, type II (IOPD). Also called: GLYCOGENOSIS, GENERALIZED, CARDIAC FORM; GSD II; POMPE DISEASE, INFANTILE-ONSET; GLYCOGEN STORAGE DISEASE II, INFANTILE-ONSET; ACID ALPHA-GLUCOSIDASE DEFICIENCY, INFANTILE-ONSET; GAA DEFICIENCY, INFANTILE-ONSET. Identifiers: Orphanet 365, MedGen C0017921, MONDO:0009290, OMIM 232300.
Cardiovascular phenotype. Identifiers: MedGen CN230736.

Allele frequency attached by ClinVar (database versions not stated): gnomAD exomes 0.00004 and 0.00002; ExAC 0.00002; gnomAD 0.00002; TOPMed 0.00002.

Submissions (8):

Ambry Genetics
Classification: Uncertain significance for Cardiovascular phenotype. Last evaluated: 2026-09-02. Review status: criteria provided, single submitter. Criteria: Ambry Variant Classification Scheme 2023. Collection method: clinical testing. Allele origin: germline.
Comment: The p.A820S variant (also known as c.2458G>T), located in coding exon 16 of the GAA gene, results from a G to T substitution at nucleotide position 2458. The alanine at codon 820 is replaced by serine, an amino acid with similar properties. This amino acid position is not well conserved in available vertebrate species. In addition, the in silico prediction for this alteration is inconclusive. Based on the available evidence, the clinical significance of this variant remains unclear.

Genomenon, Inc
Classification: Uncertain significance for Glycogen storage disease, type II. Last evaluated: 2026-07-01. Review status: criteria provided, single submitter. Criteria: Genomenon Sequence Variant Interpretation Standards - Updated. Collection method: curation. Allele origin: germline. Affected: no.
Comment: GAA p.Ala820Ser (c.2458G>T) is a missense variant that changes the amino acid at codon 820 from Alanine to Serine. This variant has been reported in the published literature (PMID:29149851). It is absent or not present at a significant frequency in gnomAD. In silico models predict that this variant is not damaging. In conclusion, we classify GAA p.Ala820Ser (c.2458G>T) as a variant of uncertain significance.

Revvity Omics, Revvity
Classification: Uncertain significance. Last evaluated: 2025-05-09. Review status: criteria provided, single submitter. Criteria: ACMG Guidelines, 2015. Collection method: clinical testing. Allele origin: germline.

GeneDx
Classification: Uncertain significance. Last evaluated: 2024-07-31. Review status: criteria provided, single submitter. Criteria: GeneDx Variant Classification Process June 2021. Collection method: clinical testing. Allele origin: germline. Affected: yes.
Comment: Not observed at significant frequency in large population cohorts (gnomAD); In silico analysis indicates that this missense variant does not alter protein structure/function; Identified in a patient with unexplained muscle weakness in published literature (PMID: 29149851); This variant is associated with the following publications: (PMID: 22253258, 19343043, 29149851)

Labcorp Genetics (formerly Invitae), Labcorp
Classification: Uncertain significance for Glycogen storage disease, type II. Last evaluated: 2022-10-18. Review status: criteria provided, single submitter. Criteria: Invitae Variant Classification Sherloc (09022015). Collection method: clinical testing. Allele origin: germline.
Comment: This sequence change replaces alanine, which is neutral and non-polar, with serine, which is neutral and polar, at codon 820 of the GAA protein (p.Ala820Ser). This variant is present in population databases (rs745378120, gnomAD 0.005%). This missense change has been observed in individual(s) with limb-girdle muscle weakness (PMID: 29149851). ClinVar contains an entry for this variant (Variation ID: 580517). Algorithms developed to predict the effect of missense changes on protein structure and function (SIFT, PolyPhen-2, Align-GVGD) all suggest that this variant is likely to be tolerated. In summary, the available evidence is currently insufficient to determine the role of this variant in disease. Therefore, it has been classified as a Variant of Uncertain Significance.

Fulgent Genetics
Classification: Uncertain significance for Glycogen storage disease, type II. Last evaluated: 2022-02-09. Review status: criteria provided, single submitter. Criteria: ACMG Guidelines, 2015. Collection method: clinical testing. Allele origin: unknown.

Department of Pathology and Laboratory Medicine, Sinai Health System
Classification: Uncertain significance for Glycogen storage disease, type II. Last evaluated: 2022-01-20. Review status: criteria provided, single submitter. Criteria: ACMG Guidelines, 2015. Collection method: research. Allele origin: germline.

Natera, Inc.
Classification: Uncertain significance for Glycogen storage disease type II. Last evaluated: 2020-09-29. Review status: no assertion criteria provided. Collection method: clinical testing. Allele origin: germline. Not counted in ClinVar's aggregate classification.

Literature cited by the submitters: PubMed 29149851 (cited by Genomenon, Inc and Labcorp Genetics (formerly Invitae), Labcorp).

NM_000152.5(GAA):c.2458G>T (p.Ala820Ser)

Gene: GAA (alpha glucosidase; plus strand). Cytogenetic location: 17q25.3.
Variant type: single nucleotide variant.
Coding change: c.2458G>T on transcript NM_000152.5 (MANE Select); coding-DNA position 2458, G replaced by T.
Protein change: p.Ala820Ser; replaces alanine 820 with serine.
Molecular consequence: missense variant.
Genome position (GRCh38, 1-based): chr17:80,117,726, G>T. VCF-style: chr17-80117726-G-T. GRCh37 (hg19) VCF-style: chr17-78091525-G-T.
Other names: c.2458G>T (LRG_673t1); c.2458G>T, p.Ala820Ser (NM_001079803.3, NM_001079804.3); short protein forms A820S.
Identifiers: ClinVar variation 580517 (VCV000580517.16), dbSNP rs745378120, ClinGen allele CA8815748.